The following is an entry in ClinVar:

NM_001039141.3(TRIOBP):c.584C>T (p.Thr195Ile)

Gene: TRIOBP (TRIO and F-actin binding protein; plus strand). Cytogenetic location: 22q13.1.
Variant type: single nucleotide variant.
Coding change: c.584C>T on transcript NM_001039141.3 (MANE Select); coding-DNA position 584, C replaced by T.
Protein change: p.Thr195Ile; replaces threonine 195 with isoleucine.
Molecular consequence: missense variant.
Genome position (GRCh38, 1-based): chr22:37,715,890, C>T. VCF-style: chr22-37715890-C-T. GRCh37 (hg19) VCF-style: chr22-38111897-C-T.
Other names: short protein forms T195I.
Identifiers: ClinVar variation 178554 (VCV000178554.76), dbSNP rs143157673, ClinGen allele CA182546.

ClinVar aggregate classification (germline): Benign/Likely benign. Review status: criteria provided, multiple submitters, no conflicts (2 of 4 stars). 10 submissions from 10 submitters: Benign (2); Likely benign (7). 1 of the submissions does not count toward it. Last evaluated 2026-09-01.

Conditions:
TRIOBP-related disorder. Also called: TRIOBP-related condition.
Autosomal recessive nonsyndromic hearing loss 28. Identifiers: Orphanet 90636, MedGen C1853276, MONDO:0012355, OMIM 609823.

Allele frequency attached by ClinVar (database versions not stated): gnomAD 0.00258 and 0.00251; TOPMed 0.00281; ESP Exome Variant Server 0.00315; gnomAD exomes 0.00432 and 0.00250; 1000 Genomes Project 30x 0.00109; 1000 Genomes Project 0.00120; ExAC 0.00239.
gnomAD v4.1: 6,606 of 1,613,628 alleles (0.41%); highest among the groups gnomAD compares: Non-Finnish European, 0.52%; 17 homozygotes.

Submissions (10):

CeGaT Center for Human Genetics Tuebingen
Classification: Likely benign. Last evaluated: 2026-09-01. Review status: criteria provided, single submitter. Criteria: CeGaT Center For Human Genetics Tuebingen Variant Classification Criteria Version 2. Collection method: clinical testing. Allele origin: germline. Affected: yes. Observed: 8 variant alleles.
Comment: TRIOBP: BP4, BS2

Labcorp Genetics (formerly Invitae), Labcorp
Classification: Likely benign. Last evaluated: 2026-01-26. Review status: criteria provided, single submitter. Criteria: Invitae Variant Classification Sherloc (09022015). Collection method: clinical testing. Allele origin: germline.

Blueprint Genetics
Classification: Likely benign. Last evaluated: 2024-11-26. Review status: criteria provided, single submitter. Criteria: ACMG Guidelines, 2015. Collection method: clinical testing. Allele origin: germline.

ARUP Laboratories, Molecular Genetics and Genomics, ARUP Laboratories
Classification: Likely benign for Autosomal recessive nonsyndromic hearing loss 28. Last evaluated: 2022-03-07. Review status: criteria provided, single submitter. Criteria: ARUP Molecular Germline Variant Investigation Process 2021. Collection method: clinical testing. Allele origin: germline.

Institute for Clinical Genetics, University Hospital TU Dresden, University Hospital TU Dresden
Classification: Likely benign. Last evaluated: 2021-11-03. Review status: criteria provided, single submitter. Criteria: ACMG Guidelines, 2015. Collection method: clinical testing. Allele origin: germline.

Athena Diagnostics
Classification: Likely benign. Last evaluated: 2019-09-30. Review status: criteria provided, single submitter. Criteria: Athena Diagnostics Criteria. Collection method: clinical testing. Allele origin: unknown.

GeneDx
Classification: Benign. Last evaluated: 2019-09-18. Review status: criteria provided, single submitter. Criteria: GeneDx Variant Classification Process June 2021. Collection method: clinical testing. Allele origin: germline. Affected: yes.

Eurofins Ntd Llc (ga)
Classification: Likely benign. Last evaluated: 2015-09-02. Review status: criteria provided, single submitter. Criteria: EGL Classification Definitions 2015. Collection method: clinical testing. Allele origin: germline. Observed: 1 variant allele, 1 heterozygote.

Laboratory for Molecular Medicine, Mass General Brigham Personalized Medicine
Classification: Benign. Last evaluated: 2012-04-30. Review status: criteria provided, single submitter. Criteria: LMM Criteria. Collection method: clinical testing. Allele origin: germline. Observed: 8 variant alleles.
Comment: Thr195Ile in Exon 06 of TRIOBP: This variant is not expected to have clinical si gnificance because it has been identified in 0.4% (26/6650) of European American chromosomes from a broad population by the NHLBI Exome Sequencing Project (dbSNP rs143157673).

PreventionGenetics, part of Exact Sciences
Classification: Likely benign for TRIOBP-related condition. Last evaluated: 2019-08-07. Review status: no assertion criteria provided. Collection method: clinical testing. Allele origin: germline. Not counted in ClinVar's aggregate classification.
Comment: This variant is classified as likely benign based on ACMG/AMP sequence variant interpretation guidelines (Richards et al. 2015 PMID: 25741868, with internal and published modifications).

Literature cited by the submitters: PubMed 26872740 (cited by Athena Diagnostics).